The following is an entry in ClinVar:

ClinVar aggregate classification (germline): Uncertain significance (1 of 4 stars; one submission).

Submission:

Ambry Genetics
Classification: Uncertain significance. Last evaluated: 2024-11-23. Review status: criteria provided, single submitter. Criteria: Ambry Variant Classification Scheme 2023. Collection method: clinical testing. Allele origin: germline.
Comment: The p.P591R variant (also known as c.1772C>G), located in coding exon 9 of the ATRIP gene, results from a C to G substitution at nucleotide position 1772. The proline at codon 591 is replaced by arginine, an amino acid with dissimilar properties. This amino acid position is conserved. In addition, the in silico prediction for this alteration is inconclusive. Based on the available evidence, the clinical significance of this variant remains unclear.

NM_130384.3(ATRIP):c.1772C>G (p.Pro591Arg)

Genes: ATRIP (ATR interacting protein; plus strand), ATRIP-TREX1 (ATRIP-TREX1 readthrough; plus strand). Cytogenetic location: 3p21.31.
Variant type: single nucleotide variant.
Coding change: c.1772C>G on transcript NM_130384.3 (MANE Select); coding-DNA position 1772, C replaced by G.
Protein change: p.Pro591Arg; replaces proline 591 with arginine.
Molecular consequence: missense variant. On other transcripts: non-coding transcript variant (1).
Genome position (GRCh38, 1-based): chr3:48,463,771, C>G. VCF-style: chr3-48463771-C-G. GRCh37 (hg19) VCF-style: chr3-48505170-C-G.
Other names: c.1391C>G, p.Pro464Arg (NM_001271022.2); c.1493C>G, p.Pro498Arg (NM_001271023.2); c.1772C>G, p.Pro591Arg (NM_032166.4); short protein forms P464R, P591R, P498R.
Identifiers: ClinVar variation 3464398 (VCV003464398.1).